The following is an entry in ClinVar:

ClinVar aggregate classification (germline): Pathogenic/Likely pathogenic. Review status: criteria provided, multiple submitters, no conflicts (2 of 4 stars). 3 submissions from 3 submitters: Pathogenic (2); Likely pathogenic (1). Last evaluated 2025-05-08.

Conditions:
Deficiency of acetyl-CoA acetyltransferase. Also called: 3-KETOTHIOLASE DEFICIENCY; 3-OXOTHIOLASE DEFICIENCY; MITOCHONDRIAL ACETOACETYL-CoA THIOLASE DEFICIENCY; Beta-ketothiolase deficiency. Identifiers: Orphanet 134, MedGen C1536500, MONDO:0008760, OMIM 203750. Disease mechanism: loss of function.

Submissions (3):

Natera, Inc.
Classification: Likely pathogenic for Alpha-methylacetoacetic aciduria. Last evaluated: 2025-05-08. Review status: criteria provided, single submitter. Criteria: Natera Variant Classification Schema (03/2026). Collection method: clinical testing. Allele origin: germline.
Comment: The c.301C>T variant in ACAT1 is a nonsense variant predicted to introduce a stop codon at amino acid 101. This variant is expected to result in nonsense mediated decay, truncation, or a dysfunctional protein product. This variant is rare in the general population with a frequency below the threshold expected for the associated phenotype(s). Given the available evidence, this variant is classified as Likely Pathogenic.

Myriad Genetics, Inc.
Classification: Pathogenic for Deficiency of acetyl-CoA acetyltransferase. Last evaluated: 2024-07-26. Review status: criteria provided, single submitter. Criteria: Myriad Autosomal Dominant, Autosomal Recessive and X-Linked Classification Criteria (2023). Collection method: clinical testing. Allele origin: unknown.
Comment: NM_000019.3(ACAT1):c.301C>T(Q101*) is expected to be pathogenic in the context of beta-ketothiolase deficiency. This variant is predicted to lead to an abnormal or absent protein product due to the creation of a premature termination codon in ACAT1, a gene where loss-of-function variants are known to be pathogenic. Please note: this variant was assessed in the context of healthy population screening.

Labcorp Genetics (formerly Invitae), Labcorp
Classification: Pathogenic for Deficiency of acetyl-CoA acetyltransferase. Last evaluated: 2022-04-24. Review status: criteria provided, single submitter. Criteria: Invitae Variant Classification Sherloc (09022015). Collection method: clinical testing. Allele origin: germline.
Comment: This variant has not been reported in the literature in individuals affected with ACAT1-related conditions. For these reasons, this variant has been classified as Pathogenic. This sequence change creates a premature translational stop signal (p.Gln101*) in the ACAT1 gene. It is expected to result in an absent or disrupted protein product. Loss-of-function variants in ACAT1 are known to be pathogenic (PMID: 7749408). This variant is not present in population databases (gnomAD no frequency).

Literature cited by the submitters: PubMed 7749408 (cited by Labcorp Genetics (formerly Invitae), Labcorp).

NM_000019.4(ACAT1):c.301C>T (p.Gln101Ter)

Gene: ACAT1 (acetyl-CoA acetyltransferase 1; plus strand). Cytogenetic location: 11q22.3.
Variant type: single nucleotide variant.
Coding change: c.301C>T on transcript NM_000019.4 (MANE Select); coding-DNA position 301, C replaced by T.
Protein change: p.Gln101Ter; replaces glutamine 101 with a stop codon.
Molecular consequence: nonsense. On other transcripts: synonymous variant (1), non-coding transcript variant (2), intron variant (1).
Genome position (GRCh38, 1-based): chr11:108,134,283, C>T. VCF-style: chr11-108134283-C-T. GRCh37 (hg19) VCF-style: chr11-108005010-C-T.
Other names: c.301C>T (NM_000019.3); c.301C>T, p.Gln101Ter (NM_001386677.1); c.24C>T, p.Asp8= (NM_001386679.1); c.31C>T, p.Gln11Ter (NM_001386681.1, NM_001386682.1, NM_001386685.1 and 6 more transcripts); c.120+2329C>T (NM_001386678.1); short protein forms Q101*, Q11*.
Identifiers: ClinVar variation 2130203 (VCV002130203.6), dbSNP rs1591362483, ClinGen allele CA382506597.